The following is an entry in ClinVar:

NM_001376.5(DYNC1H1):c.3564+14A>G

Gene: DYNC1H1 (dynein cytoplasmic 1 heavy chain 1; plus strand). Cytogenetic location: 14q32.31.
Variant type: single nucleotide variant.
Coding change: c.3564+14A>G on transcript NM_001376.5 (MANE Select); 14 bases into the intron after coding-DNA position 3564, A replaced by G.
Molecular consequence: intron variant.
Genome position (GRCh38, 1-based): chr14:101,995,314, A>G. VCF-style: chr14-101995314-A-G. GRCh37 (hg19) VCF-style: chr14-102461651-A-G.
Identifiers: ClinVar variation 2195845 (VCV002195845.4), dbSNP rs1386311042, ClinGen allele CA616370528.
Genomic context (GRCh38, chr14:101,995,314, plus strand): 5'-TGCAGTCTTTGAAACGGAAGATCAAGCAGTTTGAGAAGCAAGTTGAGGTGAGCTCTGTGC[A>G]TATTTAAAAATTTTTGGCTGGGCGTGGTGGCTCACGCCTGTAATCCCAGCACTTTGGGAG-3'

ClinVar aggregate classification (germline): Uncertain significance (1 of 4 stars; one submission).

Conditions:
Charcot-Marie-Tooth disease axonal type 2O. Also called: CHARCOT-MARIE-TOOTH NEUROPATHY, AXONAL, TYPE 2O; CHARCOT-MARIE-TOOTH DISEASE, AXONAL, AUTOSOMAL DOMINANT, TYPE 2O; Charcot-Marie-Tooth Neuropathy Type 2O; Charcot-Marie-Tooth disease, axonal, type 20. Identifiers: Orphanet 284232, MedGen C3280220, MONDO:0013644, OMIM 614228.

Allele frequency attached by ClinVar (database versions not stated): gnomAD exomes below 0.00001; TOPMed below 0.00001.
gnomAD v4.1: 7 of 1,614,028 alleles (0.00043%); highest among the groups gnomAD compares: East Asian, 0.0022%; no homozygotes.

Submission:

Labcorp Genetics (formerly Invitae), Labcorp
Classification: Uncertain significance for Charcot-Marie-Tooth disease axonal type 2O. Last evaluated: 2022-03-11. Review status: criteria provided, single submitter. Criteria: Invitae Variant Classification Sherloc (09022015). Collection method: clinical testing. Allele origin: germline.
Comment: In summary, the available evidence is currently insufficient to determine the role of this variant in disease. Therefore, it has been classified as a Variant of Uncertain Significance. Algorithms developed to predict the effect of sequence changes on RNA splicing suggest that this variant may create or strengthen a splice site. This variant has not been reported in the literature in individuals affected with DYNC1H1-related conditions. This variant is present in population databases (no rsID available, gnomAD 0.006%). This sequence change falls in intron 15 of the DYNC1H1 gene. It does not directly change the encoded amino acid sequence of the DYNC1H1 protein.